The following is an entry in ClinVar:

ClinVar aggregate classification (germline): Uncertain significance. Review status: criteria provided, multiple submitters, no conflicts (2 of 4 stars). 2 submissions from 2 submitters: Uncertain significance (2). Last evaluated 2024-10-09.

Conditions:
Arthrogryposis multiplex congenita 6. Identifiers: MedGen C5543431, MONDO:0030281, OMIM 619334.
Nemaline myopathy 2 (NEM2). Also called: Nemaline myopathy 2, autosomal recessive. Identifiers: MedGen C1850569, MONDO:0009725, OMIM 256030.

Allele frequency attached by ClinVar (database versions not stated): TOPMed 0.00008; gnomAD 0.00011.

Submissions (2):

Victorian Clinical Genetics Services, Murdoch Childrens Research Institute
Classification: Uncertain significance for Arthrogryposis multiplex congenita 6. Last evaluated: 2024-10-09. Review status: criteria provided, single submitter. Criteria: ACMG Guidelines, 2015. Collection method: clinical testing. Allele origin: germline. Inheritance: Autosomal recessive inheritance. Affected: yes.
Comment: Based on the classification scheme VCGS_Germline_v1.3.4, this variant is classified as VUS-3B. Following criteria are met: 0102 - Loss of function is a known mechanism of disease in this gene and is associated with arthrogryposis multiplex congenita 6 (MIM#619334) and nemaline myopathy 2 (MIM#256030). (I) 0106 - This gene is associated with autosomal recessive disease. (I) 0218 - Non-coding variant without known or predicted effect. (I) 0251 - This variant is heterozygous. (I) 0304 - Variant is present in gnomAD <0.01 for a recessive condition (v3: 16 heterozygotes, 0 homozygotes). (SP) 0508 - In silico predictions for abnormal splicing are conflicting. (I) 0705 - No comparable 5' UTR variants have previous evidence for pathogenicity. (I) 0809 - Previous evidence of pathogenicity for this variant is inconclusive. It has been reported once as a variant of uncertain significance by a clinical laboratory (ClinVar). (I) 0905 - No published segregation evidence has been identified for this variant. (I) 1007 - No published functional evidence has been identified for this variant. (I) 1201 - Heterozygous variant detected in trans with a second pathogenic heterozygous variant (NM_001164508.1:c.4366G>T) in a recessive disease. (I) Legend: (SP) - Supporting pathogenic, (I) - Information, (SB) - Supporting benign

Illumina Laboratory Services, Illumina
Classification: Uncertain significance for Nemaline myopathy 2. Last evaluated: 2018-01-12. Review status: criteria provided, single submitter. Criteria: ICSL Variant Classification Criteria 13 December 2019. Collection method: clinical testing. Allele origin: germline.

NM_001164508.2(NEB):c.-114+3A>G

Gene: NEB (nebulin; minus strand). Cytogenetic location: 2q23.3.
Variant type: single nucleotide variant.
Coding change: c.-114+3A>G on transcript NM_001164508.2 (MANE Select); 3 bases into the intron after 114 bases upstream of the start codon, A replaced by G.
Molecular consequence: intron variant.
Genome position (GRCh38, 1-based): chr2:151,734,395, T>C on the plus strand (A>G on the coding strand, the complement: NEB is on the minus strand). VCF-style: chr2-151734395-T-C. GRCh37 (hg19) VCF-style: chr2-152590909-T-C.
Other names: c.-114+3A>G (NM_004543.5, NM_001164507.2, NM_001271208.2 and 1 more transcripts).
Identifiers: ClinVar variation 331545 (VCV000331545.6), dbSNP rs772077208, ClinGen allele CA10612312.